The following is an entry in ClinVar:

NM_001999.4(FBN2):c.3640G>A (p.Gly1214Arg)

Gene: FBN2 (fibrillin 2; minus strand). Cytogenetic location: 5q23.3.
Variant type: single nucleotide variant.
Coding change: c.3640G>A on transcript NM_001999.4 (MANE Select); coding-DNA position 3640, G replaced by A.
Protein change: p.Gly1214Arg; replaces glycine 1214 with arginine.
Molecular consequence: missense variant.
Genome position (GRCh38, 1-based): chr5:128,336,072, C>T on the plus strand (G>A on the coding strand, the complement: FBN2 is on the minus strand). VCF-style: chr5-128336072-C-T. GRCh37 (hg19) VCF-style: chr5-127671764-C-T.
Other names: short protein forms G1214R.
Identifiers: ClinVar variation 1312165 (VCV001312165.2), dbSNP rs2126898656, ClinGen allele CA360758360.

ClinVar aggregate classification (germline): Uncertain significance (1 of 4 stars; one submission).

Submission:

GeneDx
Classification: Uncertain significance. Last evaluated: 2019-09-11. Review status: criteria provided, single submitter. Criteria: GeneDx Variant Classification Process June 2021. Collection method: clinical testing. Allele origin: germline. Affected: yes.
Comment: Has not been previously published as pathogenic or benign to our knowledge; Not observed in large population cohorts (Lek et al., 2016); In silico analysis, which includes protein predictors and evolutionary conservation, supports a deleterious effect; Although located in a calcium-binding EGF-like domain of the FBN2 gene, it does not affect a cysteine residue within this domain; cysteine substitutions in the calcium-binding EGF-like domains represent the majority of pathogenic missense changes associated with FBN2-related disorders (Frederic et al., 2009)